The following is an entry in ClinVar:

NM_004818.3(DDX23):c.1827G>T (p.Met609Ile)

Gene: DDX23 (DEAD-box helicase 23; minus strand). Cytogenetic location: 12q13.12.
Variant type: single nucleotide variant.
Coding change: c.1827G>T on transcript NM_004818.3 (MANE Select); coding-DNA position 1827, G replaced by T.
Protein change: p.Met609Ile; replaces methionine 609 with isoleucine.
Molecular consequence: missense variant.
Genome position (GRCh38, 1-based): chr12:48,832,550, C>A on the plus strand (G>T on the coding strand, the complement: DDX23 is on the minus strand). VCF-style: chr12-48832550-C-A. GRCh37 (hg19) VCF-style: chr12-49226333-C-A.
Other names: short protein forms M609I.
Identifiers: ClinVar variation 3900148 (VCV003900148.1).

ClinVar aggregate classification (germline): Uncertain significance (1 of 4 stars; one submission).

Submission:

GeneDx
Classification: Uncertain significance. Last evaluated: 2024-11-25. Review status: criteria provided, single submitter. Criteria: GeneDx Variant Classification Process June 2021. Collection method: clinical testing. Allele origin: germline. Affected: yes.
Comment: Not observed at significant frequency in large population cohorts (gnomAD); In silico analysis supports that this missense variant has a deleterious effect on protein structure/function; Has not been previously published as pathogenic or benign to our knowledge; In silico analysis suggests this variant may impact gene splicing. In the absence of RNA/functional studies, the actual effect of this sequence change is unknown.